The following is an entry in ClinVar:

NM_000268.4(NF2):c.727A>G (p.Ile243Val)

Gene: NF2 (NF2, moesin-ezrin-radixin like (MERLIN) tumor suppressor; plus strand). Cytogenetic location: 22q12.2.
Variant type: single nucleotide variant.
Coding change: c.727A>G on transcript NM_000268.4 (MANE Select); coding-DNA position 727, A replaced by G.
Protein change: p.Ile243Val; replaces isoleucine 243 with valine.
Molecular consequence: missense variant. On other transcripts: non-coding transcript variant (1), intron variant (4).
Genome position (GRCh38, 1-based): chr22:29,661,256, A>G. VCF-style: chr22-29661256-A-G. GRCh37 (hg19) VCF-style: chr22-30057245-A-G.
Other names: c.613A>G, p.Ile205Val (NM_001407053.1, NM_001407056.1); c.604A>G, p.Ile202Val (NM_001407054.1, NM_001407058.1, NM_181829.3); c.601A>G, p.Ile201Val (NM_001407055.1, NM_181828.3); c.727A>G, p.Ile243Val (NM_001407060.1, NM_001407066.1, NM_016418.5 and 2 more transcripts); c.478A>G, p.Ile160Val (NM_001407063.1, NM_001407064.1, NM_181830.3 and 1 more transcripts); c.193A>G, p.Ile65Val (NM_001407065.1); c.496A>G, p.Ile166Val (NM_001407067.1); c.675+2992A>G (NM_001407059.1, NM_001407057.1); and 2 more; short protein forms I166V, I243V, I65V, I160V, I201V, I202V, I205V.
Identifiers: ClinVar variation 2447478 (VCV002447478.4), dbSNP rs774996651, ClinGen allele CA034900.

ClinVar aggregate classification (germline): Uncertain significance. Review status: criteria provided, multiple submitters, no conflicts (2 of 4 stars). 2 submissions from 2 submitters: Uncertain significance (2). Last evaluated 2025-12-17.

Conditions:
Neurofibromatosis, type 2 (SWNV). Also called: BILATERAL ACOUSTIC NEUROFIBROMATOSIS; SCHWANNOMATOSIS, VESTIBULAR; NF2-Related Schwannomatosis. Identifiers: Orphanet 637, MedGen C0027832, MONDO:0007039, OMIM 101000. Disease mechanism: loss of function.
Hereditary cancer-predisposing syndrome. Also called: Hereditary neoplastic syndrome; Hereditary Cancer Syndrome; Tumor predisposition; Neoplastic Syndromes, Hereditary. Identifiers: Orphanet 140162, MedGen C0027672, MeSH D009386, MONDO:0015356.

Allele frequency attached by ClinVar (database versions not stated): gnomAD exomes below 0.00001; ExAC 0.00001.
gnomAD v4.1: 2 of 1,614,252 alleles (0.00012%); highest among the groups gnomAD compares: South Asian, 0.0011%; no homozygotes.

Submissions (2):

Labcorp Genetics (formerly Invitae), Labcorp
Classification: Uncertain significance for Neurofibromatosis, type 2. Last evaluated: 2025-12-17. Review status: criteria provided, single submitter. Criteria: Invitae Variant Classification Sherloc (09022015). Collection method: clinical testing. Allele origin: germline.
Comment: This sequence change replaces isoleucine, which is neutral and non-polar, with valine, which is neutral and non-polar, at codon 243 of the NF2 protein (p.Ile243Val). This variant is not present in population databases (gnomAD no frequency). This missense change has been observed in individual(s) with vestibular schwannoma (PMID: 25931164). ClinVar contains an entry for this variant (Variation ID: 2447478). Invitae Evidence Modeling of protein sequence and biophysical properties (such as structural, functional, and spatial information, amino acid conservation, physicochemical variation, residue mobility, and thermodynamic stability) indicates that this missense variant is not expected to disrupt NF2 protein function with a negative predictive value of 80%. In summary, the available evidence is currently insufficient to determine the role of this variant in disease. Therefore, it has been classified as a Variant of Uncertain Significance.

Ambry Genetics
Classification: Uncertain significance for Hereditary cancer-predisposing syndrome. Last evaluated: 2025-12-10. Review status: criteria provided, single submitter. Criteria: Ambry Variant Classification Scheme 2023. Collection method: clinical testing. Allele origin: germline.
Comment: The p.I243V variant (also known as c.727A>G), located in coding exon 8 of the NF2 gene, results from an A to G substitution at nucleotide position 727. The isoleucine at codon 243 is replaced by valine, an amino acid with highly similar properties. This amino acid position is highly conserved in available vertebrate species. In addition, this alteration is predicted to be tolerated by in silico analysis. Since supporting evidence is limited at this time, the clinical significance of this alteration remains unclear.

Literature cited by the submitters: PubMed 25931164 (cited by Labcorp Genetics (formerly Invitae), Labcorp and Ambry Genetics).